The following is an entry in ClinVar:

ClinVar aggregate classification (germline): Uncertain significance (1 of 4 stars; one submission).

Conditions:
Charcot-Marie-Tooth disease type 4. Also called: Charcot-Marie-Tooth disease, type IV; Charcot-Marie-Tooth, Type 4. Identifiers: Orphanet 64749, MedGen C4082197, MONDO:0018995.

Submission:

Labcorp Genetics (formerly Invitae), Labcorp
Classification: Uncertain significance for Charcot-Marie-Tooth disease type 4. Last evaluated: 2021-02-01. Review status: criteria provided, single submitter. Criteria: Invitae Variant Classification Sherloc (09022015). Collection method: clinical testing. Allele origin: germline.
Comment: In summary, the available evidence is currently insufficient to determine the role of this variant in disease. Therefore, it has been classified as a Variant of Uncertain Significance. Algorithms developed to predict the effect of missense changes on protein structure and function are either unavailable or do not agree on the potential impact of this missense change (SIFT: "Deleterious"; PolyPhen-2: "Benign"; Align-GVGD: "Class C0"). This variant has not been reported in the literature in individuals with PRX-related conditions. This variant is not present in population databases (ExAC no frequency). This sequence change replaces serine with proline at codon 51 of the PRX protein (p.Ser51Pro). The serine residue is highly conserved and there is a moderate physicochemical difference between serine and proline.

NM_181882.3(PRX):c.151T>C (p.Ser51Pro)

Genes: PRX (periaxin; minus strand), LOC130064454 (ATAC-STARR-seq lymphoblastoid active region 14650; plus strand). Cytogenetic location: 19q13.2.
Variant type: single nucleotide variant.
Coding change: c.151T>C on transcript NM_181882.3 (MANE Select); coding-DNA position 151, T replaced by C.
Protein change: p.Ser51Pro; replaces serine 51 with proline.
Molecular consequence: missense variant.
Genome position (GRCh38, 1-based): chr19:40,403,739, A>G on the plus strand (T>C on the coding strand, the complement: PRX is on the minus strand). VCF-style: chr19-40403739-A-G. GRCh37 (hg19) VCF-style: chr19-40909646-A-G.
Other names: c.151T>C, p.Ser51Pro (NM_020956.2); short protein forms S51P.
Identifiers: ClinVar variation 1405129 (VCV001405129.8), dbSNP rs1462393547, ClinGen allele CA405901762.